The following is an entry in ClinVar:

ClinVar aggregate classification (germline): Conflicting classifications of pathogenicity. Review status: criteria provided, conflicting classifications (1 of 4 stars). 3 submissions from 3 submitters: Uncertain significance (2); Likely benign (1). Last evaluated 2025-10-08.

Conditions:
Ectodermal dysplasia 12, hypohidrotic/hair/tooth/nail type (ECTD12). Identifiers: MedGen C4310616, MONDO:0015024, OMIM 617337.
Inborn genetic diseases. Identifiers: MedGen C0950123, MeSH D030342.

Allele frequency attached by ClinVar (database versions not stated): ExAC 0.00009; ESP Exome Variant Server 0.00015; TOPMed 0.00015.

Submissions (3):

Ambry Genetics
Classification: Uncertain significance for Inborn genetic diseases. Last evaluated: 2025-10-08. Review status: criteria provided, single submitter. Criteria: Ambry Variant Classification Scheme 2023. Collection method: clinical testing. Allele origin: germline.

Labcorp Genetics (formerly Invitae), Labcorp
Classification: Uncertain significance. Last evaluated: 2024-06-08. Review status: criteria provided, single submitter. Criteria: Invitae Variant Classification Sherloc (09022015). Collection method: clinical testing. Allele origin: germline.
Comment: This sequence change replaces arginine, which is basic and polar, with serine, which is neutral and polar, at codon 140 of the KDF1 protein (p.Arg140Ser). This variant is present in population databases (rs368075916, gnomAD 0.03%). This variant has not been reported in the literature in individuals affected with KDF1-related conditions. ClinVar contains an entry for this variant (Variation ID: 2174527). Advanced modeling of protein sequence and biophysical properties (such as structural, functional, and spatial information, amino acid conservation, physicochemical variation, residue mobility, and thermodynamic stability) performed at Invitae indicates that this missense variant is not expected to disrupt KDF1 protein function with a negative predictive value of 80%. In summary, the available evidence is currently insufficient to determine the role of this variant in disease. Therefore, it has been classified as a Variant of Uncertain Significance.

Department of Pathology and Laboratory Medicine, Sinai Health System
Classification: Likely benign for Ectodermal dysplasia 12, hypohidrotic/hair/tooth/nail type. Last evaluated: 2021-07-30. Review status: criteria provided, single submitter. Criteria: ACMG Guidelines, 2015. Collection method: research. Allele origin: germline.

NM_152365.3(KDF1):c.418C>A (p.Arg140Ser)

Gene: KDF1 (keratinocyte differentiation factor 1; minus strand). Cytogenetic location: 1p36.11.
Variant type: single nucleotide variant.
Coding change: c.418C>A on transcript NM_152365.3 (MANE Select); coding-DNA position 418, C replaced by A.
Protein change: p.Arg140Ser; replaces arginine 140 with serine.
Molecular consequence: missense variant.
Genome position (GRCh38, 1-based): chr1:26,951,963, G>T on the plus strand (C>A on the coding strand, the complement: KDF1 is on the minus strand). VCF-style: chr1-26951963-G-T. GRCh37 (hg19) VCF-style: chr1-27278454-G-T.
Other names: c.418C>A (NM_152365.2); short protein forms R140S.
Identifiers: ClinVar variation 2174527 (VCV002174527.7), dbSNP rs368075916, ClinGen allele CA710314.